The following is an entry in ClinVar:

ClinVar aggregate classification (germline): Uncertain significance. Review status: criteria provided, multiple submitters, no conflicts (2 of 4 stars). 2 submissions from 2 submitters: Uncertain significance (2). Last evaluated 2024-10-18.

Conditions:
Hereditary cancer-predisposing syndrome. Also called: Neoplastic Syndromes, Hereditary; Tumor predisposition; Hereditary Cancer Syndrome; Hereditary neoplastic syndrome. Identifiers: Orphanet 140162, MedGen C0027672, MeSH D009386, MONDO:0015356.

Submissions (2):

Ambry Genetics
Classification: Uncertain significance for Hereditary cancer-predisposing syndrome. Last evaluated: 2024-10-18. Review status: criteria provided, single submitter. Criteria: Ambry Variant Classification Scheme 2023. Collection method: clinical testing. Allele origin: germline.
Comment: The p.K733R variant (also known as c.2198A>G), located in coding exon 20 of the POLE gene, results from an A to G substitution at nucleotide position 2198. The lysine at codon 733 is replaced by arginine, an amino acid with highly similar properties. This amino acid position is conserved. In addition, this alteration is predicted to be tolerated by in silico analysis. Based on the available evidence, the clinical significance of this variant remains unclear.

Labcorp Genetics (formerly Invitae), Labcorp
Classification: Uncertain significance. Last evaluated: 2023-08-24. Review status: criteria provided, single submitter. Criteria: Invitae Variant Classification Sherloc (09022015). Collection method: clinical testing. Allele origin: germline.
Comment: This sequence change replaces lysine, which is basic and polar, with arginine, which is basic and polar, at codon 733 of the POLE protein (p.Lys733Arg). This variant is not present in population databases (gnomAD no frequency). This variant has not been reported in the literature in individuals affected with POLE-related conditions. ClinVar contains an entry for this variant (Variation ID: 649937). Advanced modeling of protein sequence and biophysical properties (such as structural, functional, and spatial information, amino acid conservation, physicochemical variation, residue mobility, and thermodynamic stability) performed at Invitae indicates that this missense variant is not expected to disrupt POLE protein function. In summary, the available evidence is currently insufficient to determine the role of this variant in disease. Therefore, it has been classified as a Variant of Uncertain Significance.

NM_006231.4(POLE):c.2198A>G (p.Lys733Arg)

Gene: POLE (DNA polymerase epsilon, catalytic subunit; minus strand). Cytogenetic location: 12q24.33.
Variant type: single nucleotide variant.
Coding change: c.2198A>G on transcript NM_006231.4 (MANE Select); coding-DNA position 2198, A replaced by G.
Protein change: p.Lys733Arg; replaces lysine 733 with arginine.
Molecular consequence: missense variant.
Genome position (GRCh38, 1-based): chr12:132,667,624, T>C on the plus strand (A>G on the coding strand, the complement: POLE is on the minus strand). VCF-style: chr12-132667624-T-C. GRCh37 (hg19) VCF-style: chr12-133244210-T-C.
Other names: c.2198A>G (NM_006231.2); short protein forms K733R.
Identifiers: ClinVar variation 649937 (VCV000649937.9), dbSNP rs1593790266, ClinGen allele CA387352320.
Genomic context (GRCh38, chr12:132,667,624, plus strand): 5'-AAGGAGTTTTCCCGCTGGCAGATGGTGGTGAGACGCTCTTCCACCTTGGTGATGTGGATC[T>C]TCTTGTAGGCTTTCCGGCAGTAATCTAAGCACGACGGAGATGGGCAGAGCAGGTGGGTGA-3'
Protein context (NP_006222.2, residues 723-743): LADYCRKAYK[Lys733Arg]IHITKVEERL